The following is an entry in ClinVar:

NM_001349253.2(SCN11A):c.3439del (p.Arg1147fs)

Gene: SCN11A (sodium voltage-gated channel alpha subunit 11; minus strand). Cytogenetic location: 3p22.2.
Variant type: Deletion.
Coding change: c.3439del on transcript NM_001349253.2 (MANE Select); coding-DNA position 3439, one base deleted (C; older notation c.3439delC).
Protein change: p.Arg1147fs; shifts the reading frame from arginine 1147.
Molecular consequence: frameshift variant.
Genome position (GRCh38, 1-based): chr3:38,872,249, G deleted on the plus strand (C on the coding strand, the reverse complement: SCN11A is on the minus strand); the first of 2 consecutive G bases (chr3:38,872,249-38,872,250); deleting either gives the same sequence. VCF-style (leftmost placement, unchanged base first): chr3-38872248-CG-C. GRCh37 (hg19) VCF-style: chr3-38913739-CG-C.
Other names: c.3439del, p.Arg1147fs (NM_014139.3); short protein forms R1147fs.
Identifiers: ClinVar variation 1433479 (VCV001433479.6), dbSNP rs1559498726, ClinGen allele CA542283952.
Genomic context (GRCh38, chr3:38,872,248, plus strand): 5'-TGTACCTTCATTCCTTCAAACTGGGACAGCGCACGAAGAGGCCTCAGTGCTCGTAGAGTC[CG>C]GAAGGACTTCAATTCCATTAAGTTAATGAGGGTGGTCACAGAGACCTGATGGGAAGAGAG-3'

ClinVar aggregate classification (germline): Uncertain significance (1 of 4 stars; one submission).

Conditions:
Familial episodic pain syndrome with predominantly lower limb involvement. Also called: Episodic pain syndrome, familial, 3. Identifiers: Orphanet 391384, Orphanet 391392, MedGen C3809899, MONDO:0014247, OMIM 615552.
Hereditary sensory and autonomic neuropathy type 7. Also called: Neuropathy, hereditary sensory and autonomic, type VII; HSAN VII. Identifiers: Orphanet 391397, MedGen C3809882, MONDO:0014244, OMIM 615548.

Submission:

Labcorp Genetics (formerly Invitae), Labcorp
Classification: Uncertain significance for Familial episodic pain syndrome with predominantly lower limb involvement; Hereditary sensory and autonomic neuropathy type 7. Last evaluated: 2020-11-18. Review status: criteria provided, single submitter. Criteria: Invitae Variant Classification Sherloc (09022015). Collection method: clinical testing. Allele origin: germline.
Comment: In summary, the available evidence is currently insufficient to determine the role of this variant in disease. Therefore, it has been classified as a Variant of Uncertain Significance. This variant has not been reported in the literature in individuals with SCN11A-related conditions. This variant is not present in population databases (ExAC no frequency). This sequence change creates a premature translational stop signal (p.Arg1147Glyfs*6) in the SCN11A gene. It is expected to result in an absent or disrupted protein product. However, the current clinical and genetic evidence is not sufficient to establish whether loss-of-function variants in SCN11A cause disease.